The following is an entry in ClinVar:

ClinVar aggregate classification (germline): Likely benign (0 of 4 stars; one submission).

Conditions:
DNAH17-related disorder. Also called: DNAH17-related condition.

Allele frequency attached by ClinVar (database versions not stated): gnomAD 0.00682; ESP Exome Variant Server 0.00789; TOPMed 0.00800; 1000 Genomes Project 0.00998; 1000 Genomes Project 30x 0.01077.
gnomAD v4.1: 2,374 of 1,606,808 alleles (0.15%); highest among the groups gnomAD compares: African/African-American, 2.4%; 20 homozygotes.

Submissions (2):

PreventionGenetics, part of Exact Sciences
Classification: Likely benign for DNAH17-related condition. Last evaluated: 2019-03-18. Review status: no assertion criteria provided. Collection method: clinical testing. Allele origin: germline.
Comment: This variant is classified as likely benign based on ACMG/AMP sequence variant interpretation guidelines (Richards et al. 2015 PMID: 25741868, with internal and published modifications).

Dr. Peter K. Rogan Lab, Western University
No classification provided (evidence only). Condition: Sarcoma. Review status: no classification provided. Collection method: in vitro. Allele origin: not applicable. Functional consequence: retained intron. Not counted in ClinVar's aggregate classification.

NM_173628.4(DNAH17):c.3114+5G>A

Genes: DNAH17 (dynein axonemal heavy chain 17; minus strand), LOC126862656 (MED14-independent group 3 enhancer GRCh37_chr17:76528450-76529649; plus strand). Cytogenetic location: 17q25.3.
Variant type: single nucleotide variant.
Coding change: c.3114+5G>A on transcript NM_173628.4 (MANE Select); 5 bases into the intron after coding-DNA position 3114, G replaced by A.
Molecular consequence: intron variant.
Genome position (GRCh38, 1-based): chr17:78,532,477, C>T on the plus strand (G>A on the coding strand, the complement: DNAH17 is on the minus strand). VCF-style: chr17-78532477-C-T. GRCh37 (hg19) VCF-style: chr17-76528559-C-T.
Other names: NC_000017.10:g.76528559C>T.
Identifiers: ClinVar variation 3040433 (VCV003040433.3), dbSNP rs138759235, ClinGen allele CA8804379.